The following is an entry in ClinVar:

ClinVar aggregate classification (germline): Conflicting classifications of pathogenicity. Review status: criteria provided, conflicting classifications (1 of 4 stars). 3 submissions from 3 submitters: Uncertain significance (2); Likely benign (1). Last evaluated 2025-05-05.

Conditions:
RNASEH1-related disorder. Also called: RNASEH1-related condition.

Allele frequency attached by ClinVar (database versions not stated): 1000 Genomes Project 30x 0.00016; 1000 Genomes Project 0.00020; ExAC 0.00064; ESP Exome Variant Server 0.00077; gnomAD 0.00084; TOPMed 0.00086; gnomAD exomes 0.00168.
gnomAD v4.1: 2,536 of 1,610,386 alleles (0.16%); highest among the groups gnomAD compares: Non-Finnish European, 0.2%; 5 homozygotes.

Submissions (3):

Mayo Clinic Laboratories, Mayo Clinic
Classification: Likely benign. Last evaluated: 2025-05-05. Review status: criteria provided, single submitter. Criteria: ACMG Guidelines, 2015. Collection method: clinical testing. Allele origin: germline. Observed: 6 variant alleles.
Comment: BS2, BP4, BP7

PreventionGenetics, part of Exact Sciences
Classification: Uncertain significance for RNASEH1-related condition. Last evaluated: 2025-03-10. Review status: criteria provided, single submitter. Criteria: ACMG Guidelines, 2015. Collection method: clinical testing. Allele origin: germline.
Comment: The RNASEH1 c.509+3A>G variant is predicted to interfere with splicing. To our knowledge, this variant has not been reported in the literature. This variant is reported in 0.12% of alleles in individuals of European (Non-Finnish) descent in gnomAD. Although we suspect that this variant may be benign, at this time, the clinical significance of this variant is uncertain due to the absence of conclusive functional and genetic evidence.

Labcorp Genetics (formerly Invitae), Labcorp
Classification: Uncertain significance. Last evaluated: 2022-08-06. Review status: criteria provided, single submitter. Criteria: Invitae Variant Classification Sherloc (09022015). Collection method: clinical testing. Allele origin: germline.
Comment: This sequence change falls in intron 4 of the RNASEH1 gene. It does not directly change the encoded amino acid sequence of the RNASEH1 protein. It affects a nucleotide within the consensus splice site. This variant is present in population databases (rs200495929, gnomAD 0.1%), and has an allele count higher than expected for a pathogenic variant. This variant has not been reported in the literature in individuals affected with RNASEH1-related conditions. Variants that disrupt the consensus splice site are a relatively common cause of aberrant splicing (PMID: 17576681, 9536098). Algorithms developed to predict the effect of sequence changes on RNA splicing suggest that this variant is not likely to affect RNA splicing. In summary, the available evidence is currently insufficient to determine the role of this variant in disease. Therefore, it has been classified as a Variant of Uncertain Significance.

Literature cited by the submitters: PubMed 17576681 (cited by Labcorp Genetics (formerly Invitae), Labcorp); PubMed 9536098 (cited by Labcorp Genetics (formerly Invitae), Labcorp).

NM_002936.6(RNASEH1):c.509+3A>G

Gene: RNASEH1 (ribonuclease H1; minus strand). Cytogenetic location: 2p25.3.
Variant type: single nucleotide variant.
Coding change: c.509+3A>G on transcript NM_002936.6 (MANE Select); 3 bases into the intron after coding-DNA position 509, A replaced by G.
Molecular consequence: intron variant.
Genome position (GRCh38, 1-based): chr2:3,550,370, T>C on the plus strand (A>G on the coding strand, the complement: RNASEH1 is on the minus strand). VCF-style: chr2-3550370-T-C. GRCh37 (hg19) VCF-style: chr2-3597960-T-C.
Other names: p.?; c.506+3A>G (NM_001378272.1); c.509+3A>G (NM_001378273.1, NM_001378271.1, NM_002936.5 and 1 more transcripts); c.431+3A>G (NM_001286834.3); c.158+3A>G (NM_001286837.3).
Identifiers: ClinVar variation 2062628 (VCV002062628.3), dbSNP rs200495929, ClinGen allele CA1516243.